The following is an entry in ClinVar:

NM_020631.6(PLEKHG5):c.605G>A (p.Arg202His)

Gene: PLEKHG5 (pleckstrin homology and RhoGEF domain containing G5; minus strand). Cytogenetic location: 1p36.31.
Variant type: single nucleotide variant.
Coding change: c.605G>A on transcript NM_020631.6 (MANE Select); coding-DNA position 605, G replaced by A.
Protein change: p.Arg202His; replaces arginine 202 with histidine.
Molecular consequence: missense variant.
Genome position (GRCh38, 1-based): chr1:6,473,441, C>T on the plus strand (G>A on the coding strand, the complement: PLEKHG5 is on the minus strand). VCF-style: chr1-6473441-C-T. GRCh37 (hg19) VCF-style: chr1-6533501-C-T.
Other names: c.716G>A, p.Arg239His (NM_001042663.3, NM_001265592.2); c.605G>A, p.Arg202His (NM_001042664.2, NM_001042665.2, NM_001265594.3 and 1 more transcripts); c.812G>A, p.Arg271His (NM_001265593.2); short protein forms R271H, R239H, R202H.
Identifiers: ClinVar variation 1751322 (VCV001751322.4), dbSNP rs543013239, ClinGen allele CA561782.

ClinVar aggregate classification (germline): Uncertain significance. Review status: criteria provided, multiple submitters, no conflicts (2 of 4 stars). 2 submissions from 2 submitters: Uncertain significance (2). Last evaluated 2023-11-15.

Conditions:
Inborn genetic diseases. Identifiers: MedGen C0950123, MeSH D030342.
Charcot-Marie-Tooth disease recessive intermediate C. Also called: CHARCOT-MARIE-TOOTH NEUROPATHY, RECESSIVE INTERMEDIATE C. Identifiers: Orphanet 369867, MedGen C3809309, MONDO:0014154, OMIM 615376.
Neuronopathy, distal hereditary motor, autosomal recessive 4. Also called: Autosomal recessive lower motor neuron disease with childhood onset; NEUROPATHY, DISTAL HEREDITARY MOTOR, AUTOSOMAL RECESSIVE 4. Identifiers: Orphanet 206580, MedGen C1970211, MONDO:0012608, OMIM 611067.

Allele frequency attached by ClinVar (database versions not stated): TOPMed 0.00001.

Submissions (2):

Ambry Genetics
Classification: Uncertain significance for Inborn genetic diseases. Last evaluated: 2023-11-15. Review status: criteria provided, single submitter. Criteria: Ambry Variant Classification Scheme 2023. Collection method: clinical testing. Allele origin: germline.

Labcorp Genetics (formerly Invitae), Labcorp
Classification: Uncertain significance for Neuronopathy, distal hereditary motor, autosomal recessive 4; Charcot-Marie-Tooth disease recessive intermediate C. Last evaluated: 2022-06-03. Review status: criteria provided, single submitter. Criteria: Invitae Variant Classification Sherloc (09022015). Collection method: clinical testing. Allele origin: germline.
Comment: This sequence change replaces arginine, which is basic and polar, with histidine, which is basic and polar, at codon 202 of the PLEKHG5 protein (p.Arg202His). The frequency data for this variant in the population databases is considered unreliable, as metrics indicate poor data quality at this position in the gnomAD database. This variant has not been reported in the literature in individuals affected with PLEKHG5-related conditions. Algorithms developed to predict the effect of missense changes on protein structure and function are either unavailable or do not agree on the potential impact of this missense change (SIFT: "Tolerated"; PolyPhen-2: "Probably Damaging"; Align-GVGD: "Class C0"). In summary, the available evidence is currently insufficient to determine the role of this variant in disease. Therefore, it has been classified as a Variant of Uncertain Significance.